The following is an entry in ClinVar:

NM_004523.4(KIF11):c.1147G>A (p.Glu383Lys)

Gene: KIF11 (kinesin family member 11; plus strand). Cytogenetic location: 10q23.33.
Variant type: single nucleotide variant.
Coding change: c.1147G>A on transcript NM_004523.4 (MANE Select); coding-DNA position 1147, G replaced by A.
Protein change: p.Glu383Lys; replaces glutamic acid 383 with lysine.
Molecular consequence: missense variant.
Genome position (GRCh38, 1-based): chr10:92,621,403, G>A. VCF-style: chr10-92621403-G-A. GRCh37 (hg19) VCF-style: chr10-94381160-G-A.
Other names: short protein forms E383K.
Identifiers: ClinVar variation 2798624 (VCV002798624.3), dbSNP rs952427009, ClinGen allele CA377590988.

ClinVar aggregate classification (germline): Uncertain significance (1 of 4 stars; one submission).

Allele frequency attached by ClinVar (database versions not stated): TOPMed below 0.00001; gnomAD exomes below 0.00001.

Submission:

Labcorp Genetics (formerly Invitae), Labcorp
Classification: Uncertain significance. Last evaluated: 2025-06-23. Review status: criteria provided, single submitter. Criteria: Invitae Variant Classification Sherloc (09022015). Collection method: clinical testing. Allele origin: germline.
Comment: This sequence change replaces glutamic acid, which is acidic and polar, with lysine, which is basic and polar, at codon 383 of the KIF11 protein (p.Glu383Lys). This variant is not present in population databases (gnomAD no frequency). This variant has not been reported in the literature in individuals affected with KIF11-related conditions. ClinVar contains an entry for this variant (Variation ID: 2798624). Invitae Evidence Modeling of protein sequence and biophysical properties (such as structural, functional, and spatial information, amino acid conservation, physicochemical variation, residue mobility, and thermodynamic stability) has been performed for this missense variant. However, the output from this modeling did not meet the statistical confidence thresholds required to predict the impact of this variant on KIF11 protein function. In summary, the available evidence is currently insufficient to determine the role of this variant in disease. Therefore, it has been classified as a Variant of Uncertain Significance.